The following is an entry in ClinVar:

NM_013275.6(ANKRD11):c.7899C>T (p.Pro2633=)

Gene: ANKRD11 (ankyrin repeat domain 11; minus strand). Cytogenetic location: 16q24.3.
Variant type: single nucleotide variant.
Coding change: c.7899C>T on transcript NM_013275.6 (MANE Select); coding-DNA position 7899, C replaced by T.
Protein change: p.Pro2633=; no amino-acid change (proline 2633 retained).
Molecular consequence: synonymous variant.
Genome position (GRCh38, 1-based): chr16:89,268,571, G>A on the plus strand (C>T on the coding strand, the complement: ANKRD11 is on the minus strand). VCF-style: chr16-89268571-G-A. GRCh37 (hg19) VCF-style: chr16-89334979-G-A.
Other names: c.7899C>T, p.Pro2633= (NM_001256182.2, NM_001256183.2).
Identifiers: ClinVar variation 3388625 (VCV003388625.16).
Genomic context (GRCh38, chr16:89,268,571, plus strand): 5'-GTCGACCATGGGCACGTAGAAGGAGGGCACCTCGTTCACGCACAGGGACTTGTGCCCGGC[G>A]GGGTCCAGTTCCTGCACCTTCAGCTGCCACTCCATCCTCTGCACGGCGTTCAGGGCCGCG-3'
Protein context (NP_037407.4, residues 2623-2643): EWQLKVQELD[Pro2633=]AGHKSLCVNE

ClinVar aggregate classification (germline): Likely benign. Review status: criteria provided, multiple submitters, no conflicts (2 of 4 stars). 2 submissions from 2 submitters: Likely benign (2). Last evaluated 2024-11-09.

Conditions:
KBG syndrome (KBGS). Also called: ANKRD11-Related KBG Syndrome. Identifiers: Orphanet 2332, MedGen C0220687, MONDO:0007846, OMIM 148050.

gnomAD v4.1: 13 of 1,532,378 alleles (0.00085%); highest among the groups gnomAD compares: Middle Eastern, 0.021%; no homozygotes.

Submissions (2):

Labcorp Genetics (formerly Invitae), Labcorp
Classification: Likely benign for KBG syndrome. Last evaluated: 2024-11-09. Review status: criteria provided, single submitter. Criteria: Invitae Variant Classification Sherloc (09022015). Collection method: clinical testing. Allele origin: germline.

CeGaT Center for Human Genetics Tuebingen
Classification: Likely benign. Last evaluated: 2024-09-01. Review status: criteria provided, single submitter. Criteria: CeGaT Center For Human Genetics Tuebingen Variant Classification Criteria Version 2. Collection method: clinical testing. Allele origin: germline. Affected: yes. Observed: 1 variant allele.
Comment: ANKRD11: BP4, BP7